The following is an entry in ClinVar:

NM_021927.3(GUF1):c.229G>A (p.Val77Met)

Gene: GUF1 (GTP binding elongation factor GUF1; plus strand). Cytogenetic location: 4p12.
Variant type: single nucleotide variant.
Coding change: c.229G>A on transcript NM_021927.3 (MANE Select); coding-DNA position 229, G replaced by A.
Protein change: p.Val77Met; replaces valine 77 with methionine.
Molecular consequence: missense variant. On other transcripts: 5 prime UTR variant (1), intron variant (1).
Genome position (GRCh38, 1-based): chr4:44,680,504, G>A. VCF-style: chr4-44680504-G-A. GRCh37 (hg19) VCF-style: chr4-44682521-G-A.
Other names: c.-740G>A (NM_001345867.2); c.229G>A, p.Val77Met (NM_001345868.2); c.-695-190G>A (NM_001345869.2); short protein forms V77M.
Identifiers: ClinVar variation 1440097 (VCV001440097.8), dbSNP rs372505762, ClinGen allele CA2905223.
Genomic context (GRCh38, chr4:44,680,504, plus strand): 5'-AAACTTGACATGTCTAGGTTTCCTGTTGAAAATATTAGAAATTTCAGTATTGTTGCACAC[G>A]TGGATCATGGCAAAAGTACTTTAGCTGACAGGCTCCTAGAACTTACAGGTATTTCATTTA-3'
Protein context (NP_068746.2, residues 67-87): NIRNFSIVAH[Val77Met]DHGKSTLADR

ClinVar aggregate classification (germline): Uncertain significance (1 of 4 stars; one submission).

Allele frequency attached by ClinVar (database versions not stated): gnomAD 0.00006; ESP Exome Variant Server 0.00008; ExAC 0.00003.
gnomAD v4.1: 19 of 1,609,842 alleles (0.0012%); highest among the groups gnomAD compares: African/African-American, 0.011%; no homozygotes.

Submission:

Labcorp Genetics (formerly Invitae), Labcorp
Classification: Uncertain significance. Last evaluated: 2025-01-27. Review status: criteria provided, single submitter. Criteria: Invitae Variant Classification Sherloc (09022015). Collection method: clinical testing. Allele origin: germline.
Comment: This sequence change replaces valine, which is neutral and non-polar, with methionine, which is neutral and non-polar, at codon 77 of the GUF1 protein (p.Val77Met). This variant is present in population databases (rs372505762, gnomAD 0.02%). This variant has not been reported in the literature in individuals affected with GUF1-related conditions. ClinVar contains an entry for this variant (Variation ID: 1440097). Invitae Evidence Modeling of protein sequence and biophysical properties (such as structural, functional, and spatial information, amino acid conservation, physicochemical variation, residue mobility, and thermodynamic stability) indicates that this missense variant is expected to disrupt GUF1 protein function with a positive predictive value of 80%. In summary, the available evidence is currently insufficient to determine the role of this variant in disease. Therefore, it has been classified as a Variant of Uncertain Significance.